The following is an entry in ClinVar:

ClinVar aggregate classification (germline): Uncertain significance (1 of 4 stars; one submission).

gnomAD v4.1: 4 of 1,613,830 alleles (0.00025%); highest among the groups gnomAD compares: African/African-American, 0.004%; no homozygotes.

Submission:

Labcorp Genetics (formerly Invitae), Labcorp
Classification: Uncertain significance. Last evaluated: 2025-12-23. Review status: criteria provided, single submitter. Criteria: Invitae Variant Classification Sherloc (09022015). Collection method: clinical testing. Allele origin: germline.
Comment: This sequence change replaces proline, which is neutral and non-polar, with arginine, which is basic and polar, at codon 1109 of the COL4A3 protein (p.Pro1109Arg). This variant is present in population databases (rs373982111, gnomAD 0.01%). This variant has not been reported in the literature in individuals affected with COL4A3-related conditions. ClinVar contains an entry for this variant (Variation ID: 3618548). An algorithm developed to predict the effect of missense changes on protein structure and function outputs the following: PolyPhen-2: "Not Available". The arginine amino acid residue is found in multiple mammalian species, which suggests that this missense change does not adversely affect protein function. In summary, the available evidence is currently insufficient to determine the role of this variant in disease. Therefore, it has been classified as a Variant of Uncertain Significance.

NM_000091.5(COL4A3):c.3326C>G (p.Pro1109Arg)

Genes: COL4A3 (collagen type IV alpha 3 chain; plus strand), MFF-DT (MFF divergent transcript; minus strand). Cytogenetic location: 2q36.3.
Variant type: single nucleotide variant.
Coding change: c.3326C>G on transcript NM_000091.5 (MANE Select); coding-DNA position 3326, C replaced by G.
Protein change: p.Pro1109Arg; replaces proline 1109 with arginine.
Molecular consequence: missense variant.
Genome position (GRCh38, 1-based): chr2:227,293,306, C>G. VCF-style: chr2-227293306-C-G. GRCh37 (hg19) VCF-style: chr2-228158022-C-G.
Other names: short protein forms P1109R.
Identifiers: ClinVar variation 3618548 (VCV003618548.2).